The following is an entry in ClinVar:

NM_001364171.2(ODAD1):c.451del (p.Arg151fs)

Gene: ODAD1 (outer dynein arm docking complex subunit 1; minus strand). Cytogenetic location: 19q13.33.
Variant type: Deletion.
Coding change: c.451del on transcript NM_001364171.2 (MANE Select); coding-DNA position 451, one base deleted (A; older notation c.451delA).
Protein change: p.Arg151fs; shifts the reading frame from arginine 151.
Molecular consequence: frameshift variant.
Genome position (GRCh38, 1-based): chr19:48,312,026, T deleted on the plus strand (A on the coding strand, the reverse complement: ODAD1 is on the minus strand); the first of 2 consecutive T bases (chr19:48,312,026-48,312,027); deleting either gives the same sequence. VCF-style (leftmost placement, unchanged base first): chr19-48312025-CT-C. GRCh37 (hg19) VCF-style: chr19-48815282-CT-C.
Other names: c.340del, p.Arg114fs (NM_144577.4); short protein forms R114fs, R151fs.
Identifiers: ClinVar variation 1799614 (VCV001799614.5), dbSNP rs751909800, ClinGen allele CA9549047.

ClinVar aggregate classification (germline): Pathogenic. Review status: criteria provided, multiple submitters, no conflicts (2 of 4 stars). 2 submissions from 2 submitters: Pathogenic (2). Last evaluated 2023-08-07.

Conditions:
Primary ciliary dyskinesia. Also called: Ciliary dyskinesia. Identifiers: Orphanet 244, MedGen C0008780, MONDO:0016575, HP:0012265.

Submissions (2):

Labcorp Genetics (formerly Invitae), Labcorp
Classification: Pathogenic for Primary ciliary dyskinesia. Last evaluated: 2023-08-07. Review status: criteria provided, single submitter. Criteria: Invitae Variant Classification Sherloc (09022015). Collection method: clinical testing. Allele origin: germline.
Comment: For these reasons, this variant has been classified as Pathogenic. Algorithms developed to predict the effect of sequence changes on RNA splicing suggest that this variant may disrupt the consensus splice site. ClinVar contains an entry for this variant (Variation ID: 1799614). This variant has not been reported in the literature in individuals affected with CCDC114-related conditions. This variant is present in population databases (rs751909800, gnomAD 0.002%). This sequence change creates a premature translational stop signal (p.Arg114Glyfs*5) in the CCDC114 gene. It is expected to result in an absent or disrupted protein product. Loss-of-function variants in CCDC114 are known to be pathogenic (PMID: 23261302, 23261303).

Ambry Genetics
Classification: Pathogenic for Primary ciliary dyskinesia. Last evaluated: 2017-12-20. Review status: criteria provided, single submitter. Criteria: Ambry Variant Classification Scheme 2023. Collection method: clinical testing. Allele origin: germline.
Comment: The c.340delA pathogenic mutation, located in coding exon 3 of the CCDC114 gene, results from a deletion of one nucleotide at nucleotide position 340, causing a translational frameshift with a predicted alternate stop codon (p.R114Gfs*5). This alteration is expected to result in loss of function by premature protein truncation or nonsense-mediated mRNA decay. As such, this alteration is interpreted as a disease-causing mutation.

Literature cited by the submitters: PubMed 23261302 (cited by Labcorp Genetics (formerly Invitae), Labcorp); PubMed 23261303 (cited by Labcorp Genetics (formerly Invitae), Labcorp).